The following is an entry in ClinVar:

ClinVar aggregate classification (germline): Uncertain significance (1 of 4 stars; one submission).

Submission:

Labcorp Genetics (formerly Invitae), Labcorp
Classification: Uncertain significance. Last evaluated: 2023-07-14. Review status: criteria provided, single submitter. Criteria: Invitae Variant Classification Sherloc (09022015). Collection method: clinical testing. Allele origin: germline.
Comment: This variant is not present in population databases (gnomAD no frequency). This sequence change replaces lysine, which is basic and polar, with asparagine, which is neutral and polar, at codon 520 of the PDE6A protein (p.Lys520Asn). In summary, the available evidence is currently insufficient to determine the role of this variant in disease. Therefore, it has been classified as a Variant of Uncertain Significance. Advanced modeling of protein sequence and biophysical properties (such as structural, functional, and spatial information, amino acid conservation, physicochemical variation, residue mobility, and thermodynamic stability) has been performed at Invitae for this missense variant, however the output from this modeling did not meet the statistical confidence thresholds required to predict the impact of this variant on PDE6A protein function. ClinVar contains an entry for this variant (Variation ID: 1038171). This variant has not been reported in the literature in individuals affected with PDE6A-related conditions.

NM_000440.3(PDE6A):c.1560A>C (p.Lys520Asn)

Gene: PDE6A (phosphodiesterase 6A; minus strand). Cytogenetic location: 5q32.
Variant type: single nucleotide variant.
Coding change: c.1560A>C on transcript NM_000440.3 (MANE Select); coding-DNA position 1560, A replaced by C.
Protein change: p.Lys520Asn; replaces lysine 520 with asparagine.
Molecular consequence: missense variant.
Genome position (GRCh38, 1-based): chr5:149,896,416, T>G on the plus strand (A>C on the coding strand, the complement: PDE6A is on the minus strand). VCF-style: chr5-149896416-T-G. GRCh37 (hg19) VCF-style: chr5-149275979-T-G.
Other names: short protein forms K520N.
Identifiers: ClinVar variation 1038171 (VCV001038171.8), dbSNP rs772351110, ClinGen allele CA361695412.